The following is an entry in ClinVar:

ClinVar aggregate classification (germline): Benign. Review status: criteria provided, multiple submitters, no conflicts (2 of 4 stars). 3 submissions from 3 submitters: Benign (2). 1 of the submissions does not count toward it. Last evaluated 2019-12-31.

Conditions:
RECQL5-related disorder. Also called: RECQL5-related condition.

Allele frequency attached by ClinVar (database versions not stated): gnomAD exomes 0.00074 and 0.00174; ExAC 0.00205; ESP Exome Variant Server 0.00599; 1000 Genomes Project 0.00619; gnomAD 0.00733 and 0.00791; 1000 Genomes Project 30x 0.00765; TOPMed 0.00835.
gnomAD v4.1: 2,232 of 1,613,844 alleles (0.14%); highest among the groups gnomAD compares: African/African-American, 2.7%; 32 homozygotes.

Submissions (3):

Labcorp Genetics (formerly Invitae), Labcorp
Classification: Benign. Last evaluated: 2019-12-31. Review status: criteria provided, single submitter. Criteria: Invitae Variant Classification Sherloc (09022015). Collection method: clinical testing. Allele origin: germline.

Breakthrough Genomics
Classification: Benign. Review status: criteria provided, single submitter. Criteria: ACMG Guidelines, 2015. Collection method: not provided. Allele origin: germline. Inheritance: Unknown mechanism. Affected: yes.

PreventionGenetics, part of Exact Sciences
Classification: Benign for RECQL5-related condition. Last evaluated: 2019-11-25. Review status: no assertion criteria provided. Collection method: clinical testing. Allele origin: germline. Not counted in ClinVar's aggregate classification.
Comment: This variant is classified as benign based on ACMG/AMP sequence variant interpretation guidelines (Richards et al. 2015 PMID: 25741868, with internal and published modifications).

NM_004259.7(RECQL5):c.2272C>T (p.His758Tyr)

Gene: RECQL5 (RecQ like helicase 5; minus strand). Cytogenetic location: 17q25.1.
Variant type: single nucleotide variant.
Coding change: c.2272C>T on transcript NM_004259.7 (MANE Select); coding-DNA position 2272, C replaced by T.
Protein change: p.His758Tyr; replaces histidine 758 with tyrosine.
Molecular consequence: missense variant.
Genome position (GRCh38, 1-based): chr17:75,629,151, G>A on the plus strand (C>T on the coding strand, the complement: RECQL5 is on the minus strand). VCF-style: chr17-75629151-G-A. GRCh37 (hg19) VCF-style: chr17-73625231-G-A.
Other names: short protein forms H758Y.
Identifiers: ClinVar variation 708598 (VCV000708598.7), dbSNP rs114006902, ClinGen allele CA8767118.